The following is an entry in ClinVar:

ClinVar aggregate classification (germline): Uncertain significance (1 of 4 stars; one submission).

Conditions:
Short-rib thoracic dysplasia 7 with or without polydactyly (SRTD7). Also called: Short rib polydactyly syndrome 5; SHORT-RIB THORACIC DYSPLASIA 7 WITH POLYDACTYLY. Identifiers: Orphanet 498497, Orphanet 93271, MedGen C3279792, MONDO:0013569, OMIM 614091.
Cranioectodermal dysplasia 2 (CED2). Identifiers: Orphanet 1515, MedGen C3150874, MONDO:0013323, OMIM 613610.

Submission:

Labcorp Genetics (formerly Invitae), Labcorp
Classification: Uncertain significance for Cranioectodermal dysplasia 2; Short-rib thoracic dysplasia 7 with or without polydactyly. Last evaluated: 2022-04-11. Review status: criteria provided, single submitter. Criteria: Invitae Variant Classification Sherloc (09022015). Collection method: clinical testing. Allele origin: germline.
Comment: This sequence change replaces isoleucine, which is neutral and non-polar, with leucine, which is neutral and non-polar, at codon 563 of the WDR35 protein (p.Ile563Leu). This variant is not present in population databases (gnomAD no frequency). This variant has not been reported in the literature in individuals affected with WDR35-related conditions. Algorithms developed to predict the effect of missense changes on protein structure and function (SIFT, PolyPhen-2, Align-GVGD) all suggest that this variant is likely to be tolerated. In summary, the available evidence is currently insufficient to determine the role of this variant in disease. Therefore, it has been classified as a Variant of Uncertain Significance.

NM_020779.4(WDR35):c.1654A>C (p.Ile552Leu)

Gene: WDR35 (WD repeat domain 35; minus strand). Cytogenetic location: 2p24.1.
Variant type: single nucleotide variant.
Coding change: c.1654A>C on transcript NM_020779.4 (MANE Select); coding-DNA position 1654, A replaced by C.
Protein change: p.Ile552Leu; replaces isoleucine 552 with leucine.
Molecular consequence: missense variant.
Genome position (GRCh38, 1-based): chr2:19,945,977, T>G on the plus strand (A>C on the coding strand, the complement: WDR35 is on the minus strand). VCF-style: chr2-19945977-T-G. GRCh37 (hg19) VCF-style: chr2-20145738-T-G.
Other names: c.1687A>C, p.Ile563Leu (NM_001006657.2); short protein forms I552L, I563L.
Identifiers: ClinVar variation 2121701 (VCV002121701.4), dbSNP rs2527880829, ClinGen allele CA345944857.